The following is an entry in ClinVar:

NM_052872.4(IL17F):c.388G>T (p.Val130Phe)

Gene: IL17F (interleukin 17F; minus strand). Cytogenetic location: 6p12.2.
Variant type: single nucleotide variant.
Coding change: c.388G>T on transcript NM_052872.4 (MANE Select); coding-DNA position 388, G replaced by T.
Protein change: p.Val130Phe; replaces valine 130 with phenylalanine.
Molecular consequence: missense variant.
Genome position (GRCh38, 1-based): chr6:52,237,035, C>A on the plus strand (G>T on the coding strand, the complement: IL17F is on the minus strand). VCF-style: chr6-52237035-C-A. GRCh37 (hg19) VCF-style: chr6-52101833-C-A.
Other names: short protein forms V130F.
Identifiers: ClinVar variation 1037376 (VCV001037376.9), dbSNP rs141798304, ClinGen allele CA138968810.

ClinVar aggregate classification (germline): Uncertain significance (1 of 4 stars; one submission).

Conditions:
Candidiasis, familial, 6 (CANDF6). Also called: Candidiasis, familial, 6, autosomal dominant. Identifiers: Orphanet 1334, MedGen C3151405, MONDO:0013503, OMIM 613956.

Allele frequency attached by ClinVar (database versions not stated): TOPMed 0.00001.

Submission:

Labcorp Genetics (formerly Invitae), Labcorp
Classification: Uncertain significance for Candidiasis, familial, 6. Last evaluated: 2023-11-01. Review status: criteria provided, single submitter. Criteria: Invitae Variant Classification Sherloc (09022015). Collection method: clinical testing. Allele origin: germline.
Comment: This sequence change replaces valine, which is neutral and non-polar, with phenylalanine, which is neutral and non-polar, at codon 130 of the IL17F protein (p.Val130Phe). This variant is present in population databases (no rsID available, gnomAD 0.002%). This variant has not been reported in the literature in individuals affected with IL17F-related conditions. ClinVar contains an entry for this variant (Variation ID: 1037376). An algorithm developed to predict the effect of missense changes on protein structure and function (PolyPhen-2) suggests that this variant is likely to be tolerated. In summary, the available evidence is currently insufficient to determine the role of this variant in disease. Therefore, it has been classified as a Variant of Uncertain Significance.